The following is an entry in ClinVar:

ClinVar aggregate classification (germline): Likely benign. Review status: criteria provided, single submitter (1 of 4 stars). 2 submissions from 2 submitters: Likely benign (1). 1 of the submissions does not count toward it. Last evaluated 2025-03-30.

Conditions:
Pancreatic adenocarcinoma. Identifiers: MedGen C0281361, MONDO:0006047, HP:0006725.

Allele frequency attached by ClinVar (database versions not stated): TOPMed 0.00001.
gnomAD v4.1: 14 of 1,518,956 alleles (0.00092%); highest among the groups gnomAD compares: Non-Finnish European, 0.0012%; no homozygotes.

Submissions (2):

Ambry Genetics
Classification: Likely benign. Last evaluated: 2025-03-30. Review status: criteria provided, single submitter. Criteria: Ambry Variant Classification Scheme 2023. Collection method: clinical testing. Allele origin: germline.

Labcorp Genetics (formerly Invitae), Labcorp
Classification: Uncertain significance for Pancreatic adenocarcinoma. Last evaluated: 2014-06-11. Review status: no assertion criteria provided. Collection method: clinical testing. Allele origin: germline. Not counted in ClinVar's aggregate classification.
Comment: The interpretation for this sequence variant was made by Invitae based on the ACMG guidelines.

NM_001166108.2(PALLD):c.1965-12570C>T

Gene: PALLD (palladin, cytoskeletal associated protein; plus strand). Cytogenetic location: 4q32.3.
Variant type: single nucleotide variant.
Coding change: c.1965-12570C>T on transcript NM_001166108.2 (MANE Select); 12570 bases into the intron before coding-DNA position 1965, C replaced by T.
Molecular consequence: intron variant. On other transcripts: missense variant (1).
Genome position (GRCh38, 1-based): chr4:168,878,352, C>T. VCF-style: chr4-168878352-C-T. GRCh37 (hg19) VCF-style: chr4-169799503-C-T.
Other names: c.461C>T, p.Ala154Val (NM_001166110.2); c.1965-12570C>T (NM_016081.4); c.819-12570C>T (NM_001166109.2); c.-157-12570C>T (NM_001367570.1, NM_001367568.1, NM_001367567.1 and 1 more transcripts); short protein forms A154V.
Identifiers: ClinVar variation 136008 (VCV000136008.2), dbSNP rs587780761, ClinGen allele CA332743.